The following is an entry in ClinVar:

NM_000071.3(CBS):c.615_625delinsAACTGTGGG (p.Val206fs)

Gene: CBS (cystathionine beta-synthase; minus strand). Cytogenetic location: 21q22.3.
Variant type: Indel.
Coding change: c.615_625delinsAACTGTGGG on transcript NM_000071.3 (MANE Select); coding-DNA positions 615 to 625, GGTGGCCTGGC replaced by AACTGTGGG.
Protein change: p.Val206fs; shifts the reading frame from valine 206.
Molecular consequence: frameshift variant.
Genome position (GRCh38, 1-based): chr21:43,065,428-43,065,438, GCCAGGCCACC replaced by CCCACAGTT on the plus strand (GGTGGCCTGGC replaced by AACTGTGGG on the coding strand, the reverse complement: CBS is on the minus strand). VCF-style: chr21-43065428-GCCAGGCCACC-CCCACAGTT. GRCh37 (hg19) VCF-style: chr21-44485538-GCCAGGCCACC-CCCACAGTT.
Other names: c.615_625delGGTGGCCTGGCinsAACTGTGGG, p.Val206Thrfs (NM_000071.2); c.615_625delinsAACTGTGGG, p.Val206fs (NM_001178008.3, NM_001178009.3, NM_001320298.2); c.300_310delinsAACTGTGGG, p.Val101fs (NM_001321072.1); short protein forms V101fs, V206fs.
Identifiers: ClinVar variation 4816645 (VCV004816645.1).

ClinVar aggregate classification (germline): Likely pathogenic (1 of 4 stars; one submission).

Conditions:
Classic homocystinuria. Also called: HOMOCYSTINURIA WITH OR WITHOUT RESPONSE TO PYRIDOXINE; Homocystinuria due to CBS deficiency; Cystathionine beta-synthase deficiency; CBS deficiency; Homocystinuria due to Cystathionine Beta-Synthase Deficiency. Identifiers: Orphanet 394, MedGen C0751202, MONDO:0009352, OMIM 236200.

Submission:

Natera, Inc.
Classification: Likely pathogenic for Homocystinuria due to cystathionine beta-synthase deficiency. Last evaluated: 2024-11-22. Review status: criteria provided, single submitter. Criteria: Natera Variant Classification Schema (03/2026). Collection method: clinical testing. Allele origin: germline.
Comment: The c.615_625delinsAACTGTGGG variant in CBS is a frameshift variant predicted to shift the reading frame beginning at codon 206 and leads to a stop codon 32 codons downstream. This variant is expected to result in nonsense mediated decay, truncation, or a dysfunctional protein product. This variant is rare in the general population with a frequency below the threshold expected for the associated phenotype(s). Given the available evidence, this variant is classified as Likely Pathogenic.